The following is an entry in ClinVar:

NM_001723.7(DST):c.6005A>T (p.Asn2002Ile)

Gene: DST (dystonin; minus strand). Cytogenetic location: 6p12.1.
Variant type: single nucleotide variant.
Coding change: c.6005A>T on transcript NM_001723.7 (MANE Plus Clinical); coding-DNA position 6005, A replaced by T.
Protein change: p.Asn2002Ile; replaces asparagine 2002 with isoleucine.
Molecular consequence: missense variant. On other transcripts: intron variant (10).
Genome position (GRCh38, 1-based): chr6:56,618,029, T>A on the plus strand (A>T on the coding strand, the complement: DST is on the minus strand). VCF-style: chr6-56618029-T-A. GRCh37 (hg19) VCF-style: chr6-56482827-T-A.
Other names: c.4831-3545A>T (NM_001144769.5); c.4930-3545A>T (NM_001374722.1, NM_001374736.1); c.4957-3545A>T (NM_001374734.1); c.4417-3545A>T (NM_001144770.2); c.4297-3545A>T (NM_001374730.1, NM_001386100.1, NM_183380.4 and 1 more transcripts); c.3319-3545A>T (NM_015548.5); short protein forms N2002I.
Identifiers: ClinVar variation 1511033 (VCV001511033.6), dbSNP rs145293541, ClinGen allele CA3870266.

ClinVar aggregate classification (germline): Uncertain significance (1 of 4 stars; one submission).

Conditions:
Hereditary sensory and autonomic neuropathy type 6. Also called: Neuropathy, hereditary sensory and autonomic, type VI; HSAN VI. Identifiers: Orphanet 314381, MedGen C3539003, MONDO:0013839, OMIM 614653.
Epidermolysis bullosa simplex 3, localized or generalized intermediate, with BP230 deficiency (EBS3). Also called: Epidermolysis bullosa simplex due to BP230 deficiency; Epidermolysis bullosa simplex, autosomal recessive 2. Identifiers: Orphanet 412181, MedGen C3809470, MONDO:0014180, OMIM 615425.

Allele frequency attached by ClinVar (database versions not stated): gnomAD 0.00001; TOPMed 0.00001; ExAC 0.00002; gnomAD exomes 0.00002 and 0.00003; ESP Exome Variant Server 0.00015.
gnomAD v4.1: 42 of 1,614,044 alleles (0.0026%); highest among the groups gnomAD compares: Non-Finnish European, 0.0033%; no homozygotes.

Submission:

Labcorp Genetics (formerly Invitae), Labcorp
Classification: Uncertain significance for Epidermolysis bullosa simplex 3, localized or generalized intermediate, with BP230 deficiency; Hereditary sensory and autonomic neuropathy type 6. Last evaluated: 2021-12-13. Review status: criteria provided, single submitter. Criteria: Invitae Variant Classification Sherloc (09022015). Collection method: clinical testing. Allele origin: germline.
Comment: In summary, the available evidence is currently insufficient to determine the role of this variant in disease. Therefore, it has been classified as a Variant of Uncertain Significance. Algorithms developed to predict the effect of missense changes on protein structure and function are either unavailable or do not agree on the potential impact of this missense change (SIFT: "Deleterious"; PolyPhen-2: "Benign"; Align-GVGD: "Class C35"). This variant has not been reported in the literature in individuals affected with DST-related conditions. This variant is present in population databases (rs145293541, gnomAD 0.002%). This sequence change replaces asparagine, which is neutral and polar, with isoleucine, which is neutral and non-polar, at codon 2002 of the DST protein (p.Asn2002Ile).